The following is an entry in ClinVar:

NM_006302.3(MOGS):c.1760G>A (p.Arg587Gln)

Gene: MOGS (mannosyl-oligosaccharide glucosidase; minus strand). Cytogenetic location: 2p13.1.
Variant type: single nucleotide variant.
Coding change: c.1760G>A on transcript NM_006302.3 (MANE Select); coding-DNA position 1760, G replaced by A.
Protein change: p.Arg587Gln; replaces arginine 587 with glutamine.
Molecular consequence: missense variant.
Genome position (GRCh38, 1-based): chr2:74,462,029, C>T on the plus strand (G>A on the coding strand, the complement: MOGS is on the minus strand). VCF-style: chr2-74462029-C-T. GRCh37 (hg19) VCF-style: chr2-74689156-C-T.
Other names: c.1442G>A, p.Arg481Gln (NM_001146158.2); short protein forms R481Q, R587Q.
Identifiers: ClinVar variation 1398739 (VCV001398739.4), dbSNP rs750912161, ClinGen allele CA1724726.

ClinVar aggregate classification (germline): Uncertain significance (1 of 4 stars; one submission).

Conditions:
MOGS-congenital disorder of glycosylation. Also called: CDG 2B; GLUCOSIDASE I DEFICIENCY; MOGS-CDG; CDG IIb. Identifiers: Orphanet 79330, MedGen C1853736, MONDO:0011629, OMIM 606056.

Allele frequency attached by ClinVar (database versions not stated): ExAC 0.00001; gnomAD 0.00001; gnomAD exomes 0.00001; TOPMed 0.00002.

Submission:

Labcorp Genetics (formerly Invitae), Labcorp
Classification: Uncertain significance for MOGS-congenital disorder of glycosylation. Last evaluated: 2024-01-08. Review status: criteria provided, single submitter. Criteria: Invitae Variant Classification Sherloc (09022015). Collection method: clinical testing. Allele origin: germline.
Comment: This sequence change replaces arginine, which is basic and polar, with glutamine, which is neutral and polar, at codon 587 of the MOGS protein (p.Arg587Gln). This variant is present in population databases (rs750912161, gnomAD 0.002%). This variant has not been reported in the literature in individuals affected with MOGS-related conditions. ClinVar contains an entry for this variant (Variation ID: 1398739). Advanced modeling of protein sequence and biophysical properties (such as structural, functional, and spatial information, amino acid conservation, physicochemical variation, residue mobility, and thermodynamic stability) performed at Invitae indicates that this missense variant is expected to disrupt MOGS protein function with a positive predictive value of 80%. In summary, the available evidence is currently insufficient to determine the role of this variant in disease. Therefore, it has been classified as a Variant of Uncertain Significance.